The following is an entry in ClinVar:

NM_000059.4(BRCA2):c.518G>C (p.Gly173Ala)

Gene: BRCA2 (BRCA2 DNA repair associated; plus strand). Cytogenetic location: 13q13.1.
Variant type: single nucleotide variant.
Coding change: c.518G>C on transcript NM_000059.4 (MANE Select); coding-DNA position 518, G replaced by C.
Protein change: p.Gly173Ala; replaces glycine 173 with alanine.
Molecular consequence: missense variant.
Genome position (GRCh38, 1-based): chr13:32,326,500, G>C. VCF-style: chr13-32326500-G-C. GRCh37 (hg19) VCF-style: chr13-32900637-G-C.
Other names: short protein forms G173A.
Identifiers: ClinVar variation 1042035 (VCV001042035.9), dbSNP rs28897702, ClinGen allele CA387757779.

ClinVar aggregate classification (germline): Uncertain significance (1 of 4 stars; one submission).

Conditions:
Hereditary breast ovarian cancer syndrome. Also called: Hereditary breast and ovarian cancer syndrome (HBOC); Breast and ovarian cancer; Hereditary breast and ovarian cancer syndrome; Hereditary breast and ovarian cancer; Hereditary breast and/or ovarian cancer syndrome; BRCA1- and BRCA2-Associated Hereditary Breast and Ovarian Cancer. Identifiers: Orphanet 145, MedGen C0677776, MeSH D061325, MONDO:0003582. Disease mechanism: loss of function.

Submission:

Labcorp Genetics (formerly Invitae), Labcorp
Classification: Uncertain significance for Hereditary breast ovarian cancer syndrome. Last evaluated: 2024-04-29. Review status: criteria provided, single submitter. Criteria: Invitae Variant Classification Sherloc (09022015). Collection method: clinical testing. Allele origin: germline.
Comment: This sequence change replaces glycine, which is neutral and non-polar, with alanine, which is neutral and non-polar, at codon 173 of the BRCA2 protein (p.Gly173Ala). This variant is not present in population databases (gnomAD no frequency). This variant has not been reported in the literature in individuals affected with BRCA2-related conditions. ClinVar contains an entry for this variant (Variation ID: 1042035). An algorithm developed to predict the effect of missense changes on protein structure and function (PolyPhen-2) suggests that this variant is likely to be disruptive. In summary, the available evidence is currently insufficient to determine the role of this variant in disease. Therefore, it has been classified as a Variant of Uncertain Significance.